The following is an entry in ClinVar:

ClinVar aggregate classification (germline): Uncertain significance (1 of 4 stars; one submission).

Submission:

Labcorp Genetics (formerly Invitae), Labcorp
Classification: Uncertain significance. Last evaluated: 2023-04-10. Review status: criteria provided, single submitter. Criteria: Invitae Variant Classification Sherloc (09022015). Collection method: clinical testing. Allele origin: germline.
Comment: Advanced modeling of protein sequence and biophysical properties (such as structural, functional, and spatial information, amino acid conservation, physicochemical variation, residue mobility, and thermodynamic stability) performed at Invitae indicates that this missense variant is not expected to disrupt DUOX2 protein function. In summary, the available evidence is currently insufficient to determine the role of this variant in disease. Therefore, it has been classified as a Variant of Uncertain Significance. This variant has not been reported in the literature in individuals affected with DUOX2-related conditions. This variant is not present in population databases (gnomAD no frequency). This sequence change replaces leucine, which is neutral and non-polar, with phenylalanine, which is neutral and non-polar, at codon 1114 of the DUOX2 protein (p.Leu1114Phe).

NM_001363711.2(DUOX2):c.3340C>T (p.Leu1114Phe)

Gene: DUOX2 (dual oxidase 2; minus strand). Cytogenetic location: 15q21.1.
Variant type: single nucleotide variant.
Coding change: c.3340C>T on transcript NM_001363711.2 (MANE Select); coding-DNA position 3340, C replaced by T.
Protein change: p.Leu1114Phe; replaces leucine 1114 with phenylalanine.
Molecular consequence: missense variant.
Genome position (GRCh38, 1-based): chr15:45,099,737, G>A on the plus strand (C>T on the coding strand, the complement: DUOX2 is on the minus strand). VCF-style: chr15-45099737-G-A. GRCh37 (hg19) VCF-style: chr15-45391935-G-A.
Other names: c.3340C>T, p.Leu1114Phe (NM_014080.5); short protein forms L1114F.
Identifiers: ClinVar variation 2796002 (VCV002796002.3), dbSNP rs752091319, ClinGen allele CA270122562.